The following is an entry in ClinVar:

ClinVar aggregate classification (germline): Uncertain significance. Review status: criteria provided, multiple submitters, no conflicts (2 of 4 stars). 5 submissions from 5 submitters: Uncertain significance (5). Last evaluated 2026-04-15.

Conditions:
Cardiovascular phenotype. Identifiers: MedGen CN230736.
Hypertrophic cardiomyopathy. Also called: HYPERTROPHIC MYOCARDIOPATHY. Identifiers: Orphanet 217569, MedGen C0007194, MeSH D002312, MONDO:0005045, HP:0001639.
Cardiomyopathy (CMYO). Also called: Cardiomyopathies. Identifiers: Orphanet 167848, MedGen C0878544, MONDO:0004994, HP:0001638. Inheritance: Various modes of inheritance.

Allele frequency attached by ClinVar (database versions not stated): gnomAD exomes 0.00001; ExAC 0.00002; TOPMed 0.00002.
gnomAD v4.1: 9 of 1,613,166 alleles (0.00056%); highest among the groups gnomAD compares: Admixed American, 0.0017%; no homozygotes.

Submissions (5):

Ambry Genetics
Classification: Uncertain significance for Cardiovascular phenotype. Last evaluated: 2026-04-15. Review status: criteria provided, single submitter. Criteria: Ambry Variant Classification Scheme 2023. Collection method: clinical testing. Allele origin: germline.
Comment: The c.1316G>A (p.G439D) alteration is located in exon 15 (coding exon 15) of the MYBPC3 gene. This alteration results from a G to A substitution at nucleotide position 1316, causing the glycine (G) at amino acid position 439 to be replaced by an aspartic acid (D). Based on data from gnomAD, the A allele has an overall frequency of 0.001% (2/246842) total alleles studied. The highest observed frequency was 0.003% (1/34272) of Latino alleles. Based on insufficient or conflicting evidence, the clinical significance of this alteration remains unclear.

Blueprint Genetics
Classification: Uncertain significance. Last evaluated: 2024-10-02. Review status: criteria provided, single submitter. Criteria: ACMG Guidelines, 2015. Collection method: clinical testing. Allele origin: germline.

Labcorp Genetics (formerly Invitae), Labcorp
Classification: Uncertain significance for Hypertrophic cardiomyopathy. Last evaluated: 2024-08-13. Review status: criteria provided, single submitter. Criteria: Invitae Variant Classification Sherloc (09022015). Collection method: clinical testing. Allele origin: germline.
Comment: This sequence change replaces glycine, which is neutral and non-polar, with aspartic acid, which is acidic and polar, at codon 439 of the MYBPC3 protein (p.Gly439Asp). This variant is present in population databases (rs763045718, gnomAD 0.003%). This missense change has been observed in individual(s) with hypertrophic cardiomyopathy (PMID: 33297573). ClinVar contains an entry for this variant (Variation ID: 628463). An algorithm developed to predict the effect of missense changes on protein structure and function (PolyPhen-2) suggests that this variant is likely to be tolerated. In summary, the available evidence is currently insufficient to determine the role of this variant in disease. Therefore, it has been classified as a Variant of Uncertain Significance.

All of Us Research Program, National Institutes of Health
Classification: Uncertain significance for Hypertrophic cardiomyopathy. Last evaluated: 2024-03-05. Review status: criteria provided, single submitter. Criteria: ACMG Guidelines, 2015. Collection method: clinical testing. Allele origin: germline. Inheritance: Autosomal dominant inheritance. Observed: 3 variant alleles, 3 heterozygotes.
Comment: This missense variant replaces glycine with aspartic acid at codon 439 of the MYBPC3 protein. Computational prediction suggests that this variant may not impact protein structure and function (internally defined REVEL score threshold <= 0.5, PMID: 27666373). To our knowledge, functional studies have not been reported for this variant. This variant has been reported in individuals affected with hypertrophic cardiomyopathy (PMID: 28771489, 33297573); one of these individuals also carried a different pathogenic missense variant in the MYBPC3 gene (PMID: 28771489). It has also been reported in an individual affected with arrhythmogenic right ventricular cardiomyopathy (Boneva et al, 2023). This variant has been identified in 2/246842 chromosomes in the general population by the Genome Aggregation Database (gnomAD). The available evidence is insufficient to determine the role of this variant in disease conclusively. Therefore, this variant is classified as a Variant of Uncertain Significance.

This study involves interpretation of variants in research participants for the purpose of population health screening. Participant phenotype was not available at the time of variant classification. Additional details can be found in publication PMID: 35346344, PMCID: PMC8962531

Color Diagnostics, LLC DBA Color Health
Classification: Uncertain significance for Cardiomyopathy. Last evaluated: 2023-05-05. Review status: criteria provided, single submitter. Criteria: ACMG Guidelines, 2015. Collection method: clinical testing. Allele origin: germline.
Comment: This missense variant replaces glycine with aspartic acid at codon 439 of the MYBPC3 protein. Computational prediction suggests that this variant may not impact protein structure and function (internally defined REVEL score threshold <= 0.5, PMID: 27666373). To our knowledge, functional studies have not been reported for this variant. This variant has been reported in individuals affected with hypertrophic cardiomyopathy (PMID: 28771489, 33297573); one of these individuals also carried a different pathogenic missense variant in the MYBPC3 gene (PMID: 28771489). It has also been reported in an individual affected with arrhythmogenic right ventricular cardiomyopathy (Boneva et al, 2023). This variant has been identified in 2/246842 chromosomes in the general population by the Genome Aggregation Database (gnomAD). The available evidence is insufficient to determine the role of this variant in disease conclusively. Therefore, this variant is classified as a Variant of Uncertain Significance.

Literature cited by the submitters: PubMed 33297573 (cited by 3 submitters); PubMed 28771489 (cited by All of Us Research Program, National Institutes of Health and Color Diagnostics, LLC DBA Color Health).

NM_000256.3(MYBPC3):c.1316G>A (p.Gly439Asp)

Gene: MYBPC3 (myosin binding protein C3; minus strand). Cytogenetic location: 11p11.2.
Variant type: single nucleotide variant.
Coding change: c.1316G>A on transcript NM_000256.3 (MANE Select); coding-DNA position 1316, G replaced by A.
Protein change: p.Gly439Asp; replaces glycine 439 with aspartic acid.
Molecular consequence: missense variant.
Genome position (GRCh38, 1-based): chr11:47,343,056, C>T on the plus strand (G>A on the coding strand, the complement: MYBPC3 is on the minus strand). VCF-style: chr11-47343056-C-T. GRCh37 (hg19) VCF-style: chr11-47364607-C-T.
Other names: c.1316G>A, p.Gly439Asp (LRG_386t1); short protein forms G439D.
Identifiers: ClinVar variation 628463 (VCV000628463.17), dbSNP rs763045718, ClinGen allele CA044238.